The following is an entry in ClinVar:

ClinVar aggregate classification (germline): Uncertain significance (1 of 4 stars; one submission).

Conditions:
Myopathy, tubular aggregate, 2 (TAM2). Identifiers: MedGen C4014557, MONDO:0014383, OMIM 615883.
Combined immunodeficiency due to ORAI1 deficiency. Also called: IMMUNODEFICIENCY 9. Identifiers: Orphanet 169090, Orphanet 317428, MedGen C2748568, MONDO:0013007, OMIM 612782.

Submission:

Labcorp Genetics (formerly Invitae), Labcorp
Classification: Uncertain significance for Myopathy, tubular aggregate, 2; Combined immunodeficiency due to ORAI1 deficiency. Last evaluated: 2025-09-30. Review status: criteria provided, single submitter. Criteria: Invitae Variant Classification Sherloc (09022015). Collection method: clinical testing. Allele origin: germline.
Comment: This sequence change replaces threonine, which is neutral and polar, with alanine, which is neutral and non-polar, at codon 266 of the ORAI1 protein (p.Thr266Ala). This variant is not present in population databases (gnomAD no frequency). This variant has not been reported in the literature in individuals affected with ORAI1-related conditions. ClinVar contains an entry for this variant (Variation ID: 1953882). Experimental studies and prediction algorithms are not available or were not evaluated, and the functional significance of this variant is currently unknown. In summary, the available evidence is currently insufficient to determine the role of this variant in disease. Therefore, it has been classified as a Variant of Uncertain Significance.

NC_000012.12:g.121641533A>G

Gene: ORAI1 (ORAI calcium release-activated calcium modulator 1; plus strand). Cytogenetic location: 12q24.31.
Variant type: single nucleotide variant.
Genome position: GRCh38 VCF-style: chr12-121641533-A-G. GRCh37 (hg19) VCF-style: chr12-122079439-A-G.
Other names: c.796A>G, p.Thr266Ala (NM_032790.4); short protein forms T266A.
Identifiers: ClinVar variation 1953882 (VCV001953882.5), dbSNP rs1555324156, ClinGen allele CA386984541.
Genomic context (GRCh38, chr12:121,641,533, plus strand): 5'-TTCGGCCTGATCTTTATCGTCTTCGCCGTCCACTTCTACCGCTCACTGGTTAGCCATAAG[A>G]CTGACCGACAGTTCCAGGAGCTCAACGAGCTGGCGGAGTTTGCCCGCTTACAGGACCAGC-3'